The following is an entry in ClinVar:

NM_000161.3(GCH1):c.*1142G>A

Gene: GCH1 (GTP cyclohydrolase 1; minus strand). Cytogenetic location: 14q22.2.
Variant type: single nucleotide variant.
Coding change: c.*1142G>A on transcript NM_000161.3 (MANE Select); 1142 bases downstream of the stop codon, G replaced by A.
Molecular consequence: 3 prime UTR variant.
Genome position (GRCh38, 1-based): chr14:54,842,875, C>T on the plus strand (G>A on the coding strand, the complement: GCH1 is on the minus strand). VCF-style: chr14-54842875-C-T. GRCh37 (hg19) VCF-style: chr14-55309593-C-T.
Other names: c.*196G>A (NM_001024024.2); c.*192G>A (NM_001024070.2); c.*164G>A (NM_001024071.2).
Identifiers: ClinVar variation 313370 (VCV000313370.9), dbSNP rs10151500, ClinGen allele CA10645459.
Genomic context (GRCh38, chr14:54,842,875, plus strand): 5'-AATCATTAATAAGGCAACAGCTTCCAGGATTAAAATACCTATACCATCTATACGGAGTTA[C>T]AATGAGGACAAGACCCACATAGACCACAAAGGAAACCGGGACCAGAAGCTTCCAGTGCAT-3'

ClinVar aggregate classification (germline): Benign. Review status: criteria provided, multiple submitters, no conflicts (2 of 4 stars). 4 submissions from 3 submitters: Benign (4). Last evaluated 2018-07-05.

Conditions:
GTP cyclohydrolase I deficiency. Identifiers: MedGen C0268467, MONDO:0100184.
Dystonia 5 (DRD). Also called: DYSTONIA, PROGRESSIVE, WITH DIURNAL VARIATION; DYSTONIA-PARKINSONISM WITH DIURNAL FLUCTUATION; Dystonia, DOPA-responsive, with or without hyperphenylalaninemia; GTP Cyclohydrolase 1-Deficient Dopa-Responsive Dystonia; DYT-GCH1. Identifiers: Orphanet 98808, MedGen C1851920, MONDO:0007495, OMIM 128230.

Allele frequency attached by ClinVar (database versions not stated): 1000 Genomes Project 30x 0.04919; gnomAD 0.04130; 1000 Genomes Project 0.04573; TOPMed 0.04645.

Submissions (4):

GeneDx
Classification: Benign. Last evaluated: 2018-07-05. Review status: criteria provided, single submitter. Criteria: GeneDx Variant Classification Process June 2021. Collection method: clinical testing. Allele origin: germline. Affected: yes.

Illumina Laboratory Services, Illumina
Classification: Benign for Dystonia 5. Last evaluated: 2018-01-12. Review status: criteria provided, single submitter. Criteria: ICSL Variant Classification Criteria 13 December 2019. Collection method: clinical testing. Allele origin: germline.
Comment: This variant was observed in the ICSL laboratory as part of a predisposition screen in an ostensibly healthy population. It had not been previously curated by ICSL or reported in the Human Gene Mutation Database (HGMD: prior to June 1st, 2018), and was therefore a candidate for classification through an automated scoring system. Utilizing variant allele frequency, disease prevalence and penetrance estimates, and inheritance mode, an automated score was calculated to assess if this variant is too frequent to cause the disease. Based on the score and internal cut-off values, a variant classified as benign is not then subjected to further curation. The score for this variant resulted in a classification of benign for this disease.

Illumina Laboratory Services, Illumina
Classification: Benign for GTP cyclohydrolase I deficiency with hyperphenylalaninemia. Last evaluated: 2018-01-12. Review status: criteria provided, single submitter. Criteria: ICSL Variant Classification Criteria 13 December 2019. Collection method: clinical testing. Allele origin: germline.
Comment: the same text as in the submission from Illumina Laboratory Services, Illumina above.

Breakthrough Genomics
Classification: Benign. Review status: criteria provided, single submitter. Criteria: ACMG Guidelines, 2015. Collection method: not provided. Allele origin: germline. Inheritance: Autosomal recessive inheritance. Affected: yes.